The following is an entry in ClinVar:

NM_022089.4(ATP13A2):c.395C>T (p.Ala132Val)

Gene: ATP13A2 (ATPase cation transporting 13A2; minus strand). Cytogenetic location: 1p36.13.
Variant type: single nucleotide variant.
Coding change: c.395C>T on transcript NM_022089.4 (MANE Select); coding-DNA position 395, C replaced by T.
Protein change: p.Ala132Val; replaces alanine 132 with valine.
Molecular consequence: missense variant.
Genome position (GRCh38, 1-based): chr1:17,004,774, G>A on the plus strand (C>T on the coding strand, the complement: ATP13A2 is on the minus strand). VCF-style: chr1-17004774-G-A. GRCh37 (hg19) VCF-style: chr1-17331269-G-A.
Other names: c.395C>T, p.Ala132Val (NM_001141973.3, NM_001141974.3); short protein forms A132V.
Identifiers: ClinVar variation 1511695 (VCV001511695.4), dbSNP rs764125787, ClinGen allele CA18646263.

ClinVar aggregate classification (germline): Uncertain significance (1 of 4 stars; one submission).

Conditions:
Autosomal recessive spastic paraplegia type 78. Identifiers: Orphanet 513436, MedGen C5567893, MONDO:0014975, OMIM 617225.
Kufor-Rakeb syndrome (KRS). Also called: PARKINSON DISEASE 9, AUTOSOMAL RECESSIVE, JUVENILE-ONSET. Identifiers: Orphanet 306674, Orphanet 314632, MedGen C1847640, MONDO:0011706, OMIM 606693.

Allele frequency attached by ClinVar (database versions not stated): gnomAD 0.00002; gnomAD exomes 0.00002; TOPMed 0.00003; 1000 Genomes Project 30x 0.00031.

Submission:

Labcorp Genetics (formerly Invitae), Labcorp
Classification: Uncertain significance for Kufor-Rakeb syndrome; Autosomal recessive spastic paraplegia type 78. Last evaluated: 2022-06-20. Review status: criteria provided, single submitter. Criteria: Invitae Variant Classification Sherloc (09022015). Collection method: clinical testing. Allele origin: germline.
Comment: Algorithms developed to predict the effect of sequence changes on RNA splicing suggest that this variant may create or strengthen a splice site. In summary, the available evidence is currently insufficient to determine the role of this variant in disease. Therefore, it has been classified as a Variant of Uncertain Significance. Advanced modeling of protein sequence and biophysical properties (such as structural, functional, and spatial information, amino acid conservation, physicochemical variation, residue mobility, and thermodynamic stability) performed at Invitae indicates that this missense variant is not expected to disrupt ATP13A2 protein function. This variant has not been reported in the literature in individuals affected with ATP13A2-related conditions. This variant is not present in population databases (gnomAD no frequency). This sequence change replaces alanine, which is neutral and non-polar, with valine, which is neutral and non-polar, at codon 132 of the ATP13A2 protein (p.Ala132Val).